The following is an entry in ClinVar:

ClinVar aggregate classification (germline): Uncertain significance (1 of 4 stars; one submission).

Conditions:
Congenital sideroblastic anemia-B-cell immunodeficiency-periodic fever-developmental delay syndrome. Also called: Sideroblastic anemia with B-cell immunodeficiency, periodic fevers, and developmental delay. Identifiers: Orphanet 369861, MedGen C4015172, MONDO:0014487, OMIM 616084.

Allele frequency attached by ClinVar (database versions not stated): TOPMed below 0.00001.

Submission:

Labcorp Genetics (formerly Invitae), Labcorp
Classification: Uncertain significance for Congenital sideroblastic anemia-B-cell immunodeficiency-periodic fever-developmental delay syndrome. Last evaluated: 2022-06-08. Review status: criteria provided, single submitter. Criteria: Invitae Variant Classification Sherloc (09022015). Collection method: clinical testing. Allele origin: germline.
Comment: This sequence change replaces lysine, which is basic and polar, with arginine, which is basic and polar, at codon 211 of the TRNT1 protein (p.Lys211Arg). In summary, the available evidence is currently insufficient to determine the role of this variant in disease. Therefore, it has been classified as a Variant of Uncertain Significance. Algorithms developed to predict the effect of missense changes on protein structure and function output the following: SIFT: "Tolerated"; PolyPhen-2: "Benign"; Align-GVGD: "Class C0". The arginine amino acid residue is found in multiple mammalian species, which suggests that this missense change does not adversely affect protein function. This variant has not been reported in the literature in individuals affected with TRNT1-related conditions. This variant is not present in population databases (gnomAD no frequency).

NM_182916.3(TRNT1):c.632A>G (p.Lys211Arg)

Gene: TRNT1 (tRNA nucleotidyl transferase 1; plus strand). Cytogenetic location: 3p26.2.
Variant type: single nucleotide variant.
Coding change: c.632A>G on transcript NM_182916.3 (MANE Select); coding-DNA position 632, A replaced by G.
Protein change: p.Lys211Arg; replaces lysine 211 with arginine.
Molecular consequence: missense variant. On other transcripts: non-coding transcript variant (6).
Genome position (GRCh38, 1-based): chr3:3,146,453, A>G. VCF-style: chr3-3146453-A-G. GRCh37 (hg19) VCF-style: chr3-3188137-A-G.
Other names: c.632A>G, p.Lys211Arg (NM_001302946.2, NM_001367321.1, NM_001367322.1 and 1 more transcripts); short protein forms K211R.
Identifiers: ClinVar variation 1936290 (VCV001936290.5), dbSNP rs1706025489, ClinGen allele CA351446845.
Genomic context (GRCh38, chr3:3,146,453, plus strand): 5'-TATAGAGGTAATACCCTGTGAAGATTTTGTCTTGTAGGTTTTATGGGAGAATTGTAGACA[A>G]ACCTGGTGACCATGATCCTGAGACTTTGGAAGCAATTGCAGAAAATGCAAAAGGCTTGGC-3'
Protein context (NP_886552.3, residues 201-221): YFRFYGRIVD[Lys211Arg]PGDHDPETLE